The following is an entry in ClinVar:

ClinVar aggregate classification (germline): Uncertain significance (1 of 4 stars; one submission).

Conditions:
Autosomal dominant childhood-onset proximal spinal muscular atrophy without contractures. Also called: Spinal muscular atrophy, lower extremity-predominant 1, AD; KUGELBERG-WELANDER SYNDROME, AUTOSOMAL DOMINANT; SPINAL MUSCULAR ATROPHY, JUVENILE, PROXIMAL, AUTOSOMAL DOMINANT; SPINAL MUSCULAR ATROPHY, CHILDHOOD, PROXIMAL, AUTOSOMAL DOMINANT. Identifiers: Orphanet 209341, Orphanet 363447, MedGen C5780022, MONDO:0008026, OMIM 158600.

Submission:

3billion
Classification: Uncertain significance for Autosomal dominant childhood-onset proximal spinal muscular atrophy without contractures. Last evaluated: 2025-12-17. Review status: criteria provided, single submitter. Criteria: ACMG Guidelines, 2015. Collection method: clinical testing. Allele origin: germline. Affected: yes.
Comment: The variant is not observed in the gnomAD v4.1.0 dataset. Predicted Consequence/Location: Missense variant. Missense changes are a common disease-causing mechanism. In silico tool prediction suggests damaging effect of the variant on gene or gene product [3Cnet: 0.77 (> 0.75, sensitivity 0.96 and precision 0.92)]. Therefore, this variant is classified as VUS according to the recommendation of ACMG/AMP guideline.

NM_001376.5(DYNC1H1):c.2257C>T (p.Leu753Phe)

Gene: DYNC1H1 (dynein cytoplasmic 1 heavy chain 1; plus strand). Cytogenetic location: 14q32.31.
Variant type: single nucleotide variant.
Coding change: c.2257C>T on transcript NM_001376.5 (MANE Select); coding-DNA position 2257, C replaced by T.
Protein change: p.Leu753Phe; replaces leucine 753 with phenylalanine.
Molecular consequence: missense variant.
Genome position (GRCh38, 1-based): chr14:101,986,482, C>T. VCF-style: chr14-101986482-C-T. GRCh37 (hg19) VCF-style: chr14-102452819-C-T.
Other names: short protein forms L753F.
Identifiers: ClinVar variation 4855553 (VCV004855553.1).